The following is an entry in ClinVar:

ClinVar aggregate classification (germline): Uncertain significance. Review status: criteria provided, multiple submitters, no conflicts (2 of 4 stars). 4 submissions from 4 submitters: Uncertain significance (4). Last evaluated 2025-09-24.

Conditions:
Sandhoff disease. Also called: GM2-GANGLIOSIDOSIS, TYPE II; HEXOSAMINIDASES A AND B DEFICIENCY; Beta-hexosaminidase-beta-subunit deficiency; GM2 gangliosidosis, type 2; Total hexosaminidase deficiency; Sandhoff-Jatzkewitz-Pilz disease. Identifiers: Orphanet 796, MedGen C0036161, MONDO:0010006, OMIM 268800.
Inborn genetic diseases. Identifiers: MedGen C0950123, MeSH D030342.

Allele frequency attached by ClinVar (database versions not stated): ExAC 0.00005; TOPMed 0.00013; gnomAD 0.00012.
gnomAD v4.1: 138 of 1,592,274 alleles (0.0087%); highest among the groups gnomAD compares: Non-Finnish European, 0.011%; no homozygotes.

Submissions (4):

GeneDx
Classification: Uncertain significance. Last evaluated: 2025-09-24. Review status: criteria provided, single submitter. Criteria: GeneDx Variant Classification Process June 2021. Collection method: clinical testing. Allele origin: germline.
Comment: Not observed at significant frequency in large population cohorts (gnomAD); In silico analysis suggests that this missense variant does not alter protein structure/function; Has not been previously published as pathogenic or benign to our knowledge

Ambry Genetics
Classification: Uncertain significance for Inborn genetic diseases. Last evaluated: 2025-04-01. Review status: criteria provided, single submitter. Criteria: Ambry Variant Classification Scheme 2023. Collection method: clinical testing. Allele origin: germline.

Mayo Clinic Laboratories, Mayo Clinic
Classification: Uncertain significance. Last evaluated: 2024-12-27. Review status: criteria provided, single submitter. Criteria: ACMG Guidelines, 2015. Collection method: clinical testing. Allele origin: germline. Observed: 2 variant alleles.
Comment: PM2_supporting

Labcorp Genetics (formerly Invitae), Labcorp
Classification: Uncertain significance for Sandhoff disease. Last evaluated: 2022-08-01. Review status: criteria provided, single submitter. Criteria: Invitae Variant Classification Sherloc (09022015). Collection method: clinical testing. Allele origin: germline.
Comment: This sequence change replaces arginine, which is basic and polar, with tryptophan, which is neutral and slightly polar, at codon 44 of the HEXB protein (p.Arg44Trp). This variant is present in population databases (rs750001501, gnomAD 0.009%). This variant has not been reported in the literature in individuals affected with HEXB-related conditions. Advanced modeling of protein sequence and biophysical properties (such as structural, functional, and spatial information, amino acid conservation, physicochemical variation, residue mobility, and thermodynamic stability) performed at Invitae indicates that this missense variant is not expected to disrupt HEXB protein function. In summary, the available evidence is currently insufficient to determine the role of this variant in disease. Therefore, it has been classified as a Variant of Uncertain Significance.

NM_000521.4(HEXB):c.130C>T (p.Arg44Trp)

Gene: HEXB (hexosaminidase subunit beta; plus strand). Cytogenetic location: 5q13.3.
Variant type: single nucleotide variant.
Coding change: c.130C>T on transcript NM_000521.4 (MANE Select); coding-DNA position 130, C replaced by T.
Protein change: p.Arg44Trp; replaces arginine 44 with tryptophan.
Molecular consequence: missense variant. On other transcripts: intron variant (1).
Genome position (GRCh38, 1-based): chr5:74,685,390, C>T. VCF-style: chr5-74685390-C-T. GRCh37 (hg19) VCF-style: chr5-73981215-C-T.
Other names: p.Arg44Trp; c.130C>T (NM_000521.3); c.-376-3938C>T (NM_001292004.2); short protein forms R44W.
Identifiers: ClinVar variation 2189833 (VCV002189833.6), dbSNP rs750001501, ClinGen allele CA3305738.